The following is an entry in ClinVar:

ClinVar aggregate classification (germline): Conflicting classifications of pathogenicity. Review status: criteria provided, conflicting classifications (1 of 4 stars). 4 submissions from 4 submitters: Likely pathogenic (1); Uncertain significance (3). Last evaluated 2025-08-05.

Conditions:
CFTR-related disorder (CFTR-RD). Also called: CFTR-related condition; CFTR-related disorders. Identifiers: MedGen C5924204, MONDO:7770004.
Cystic fibrosis (CF). Also called: MUCOVISCIDOSIS. Identifiers: Orphanet 586, MedGen C0010674, MONDO:0009061, OMIM 219700. Disease mechanism: loss of function.

Submissions (4):

Natera, Inc.
Classification: Likely pathogenic for CFTR-related disorders. Last evaluated: 2025-08-05. Review status: criteria provided, single submitter. Criteria: Natera Variant Classification Schema (03/2026). Collection method: clinical testing. Allele origin: germline.
Comment: The c.575A>T variant in CFTR is a missense variant predicted to cause substitution of aspartic acid to valine at amino acid 192. This variant is rare in the general population with a frequency below the threshold expected for the associated phenotype(s). This variant has been observed in one or more individuals affected with the associated recessive disease, as either homozygous or compound heterozygous with a second variant (PMID: 36458240). A different variant at the same position has been determined to be Pathogenic or Likely Pathogenic. Computational prediction algorithms indicate this variant is likely to affect gene or protein function. Given the available evidence, this variant is classified as Likely Pathogenic.

Genome-Nilou Lab
Classification: Uncertain significance for Cystic fibrosis. Last evaluated: 2021-09-05. Review status: criteria provided, single submitter. Criteria: ACMG Guidelines, 2015. Collection method: clinical testing. Allele origin: germline. Affected: no.

Johns Hopkins Genomics, Johns Hopkins University
Classification: Uncertain significance for Cystic fibrosis. Last evaluated: 2019-12-13. Review status: criteria provided, single submitter. Criteria: ACMG Guidelines, 2015. Collection method: clinical testing. Allele origin: germline.
Comment: This CFTR variant is absent from a large population dataset and has not been reported in the literature, to our knowledge. Although a single submitter in ClinVar classifies this variant as uncertain, a different missense variant at the same residue (p.Asp192Gly) is reported in ClinVar as likely pathogenic. This variant (p.Asp192Val) occurs in a well conserved residue in a nucleotide binding domain of CFTR and may impact protein function, however the consequence of this variant has not been functionally assessed to our knowledge. Therefore, we consider the clinical significance of c.575A>T to be uncertain at this time.

Women's Health and Genetics/Laboratory Corporation of America, LabCorp
Classification: Uncertain significance. Last evaluated: 2017-12-13. Review status: criteria provided, single submitter. Criteria: LabCorp Variant Classification Summary - May 2015. Collection method: clinical testing. Allele origin: germline.
Comment: Variant summary: The CFTR c.575A>T (p.Asp192Val) variant located in the ABC transporter type 1, transmembrane domain (via InterPro) involves the alteration of a conserved nucleotide and 4/4 in silico tools (Polyphen not working at time of scoring) predict a damaging outcome for this variant. However, these predictions have yet to be functionally assessed. This variant is absent in 245204 control chromosomes (gnomAD). The variant of interest has not, to our knowledge, been reported in affected individuals via publications and/or reputable databases/clinical diagnostic laboratories. Because of the absence of clinical information and the lack of functional studies, the variant is classified as a "Variant of Uncertian Significance (VUS)," until additional information becomes available.

Literature cited by the submitters: PubMed 36458240 (cited by Natera, Inc.).

NM_000492.4(CFTR):c.575A>T (p.Asp192Val)

Gene: CFTR (CF transmembrane conductance regulator; plus strand). Cytogenetic location: 7q31.2.
Variant type: single nucleotide variant.
Coding change: c.575A>T on transcript NM_000492.4 (MANE Select); coding-DNA position 575, A replaced by T.
Protein change: p.Asp192Val; replaces aspartic acid 192 with valine.
Molecular consequence: missense variant.
Genome position (GRCh38, 1-based): chr7:117,534,361, A>T. VCF-style: chr7-117534361-A-T. GRCh37 (hg19) VCF-style: chr7-117174415-A-T.
Other names: short protein forms D192V.
Identifiers: ClinVar variation 633172 (VCV000633172.5), dbSNP rs397508758, ClinGen allele CA368976609.
Genomic context (GRCh38, chr7:117,534,361, plus strand): 5'-TAGATAAAATAAGTATTGGACAACTTGTTAGTCTCCTTTCCAACAACCTGAACAAATTTG[A>T]TGAAGTATGTACCTATTGATTTAATCTTTTAGGCACTATTGTTATAAATTATACAACTGG-3'
Protein context (NP_000483.3, residues 182-202): SLLSNNLNKF[Asp192Val]EGLALAHFVW